The following is an entry in ClinVar:

ClinVar aggregate classification (germline): Uncertain significance (1 of 4 stars; one submission).

Conditions:
Adams-Oliver syndrome 5 (AOS5). Identifiers: Orphanet 974, MedGen C4014970, MONDO:0014459, OMIM 616028.

gnomAD v4.1: 16 of 1,612,044 alleles (0.00099%); highest among the groups gnomAD compares: Non-Finnish European, 0.0013%; no homozygotes.

Submission:

Labcorp Genetics (formerly Invitae), Labcorp
Classification: Uncertain significance for Adams-Oliver syndrome 5. Last evaluated: 2025-11-10. Review status: criteria provided, single submitter. Criteria: Invitae Variant Classification Sherloc (09022015). Collection method: clinical testing. Allele origin: germline.
Comment: This sequence change replaces phenylalanine, which is neutral and non-polar, with leucine, which is neutral and non-polar, at codon 628 of the NOTCH1 protein (p.Phe628Leu). This variant is not present in population databases (gnomAD no frequency). This variant has not been reported in the literature in individuals affected with NOTCH1-related conditions. ClinVar contains an entry for this variant (Variation ID: 3631699). Invitae Evidence Modeling of protein sequence and biophysical properties (such as structural, functional, and spatial information, amino acid conservation, physicochemical variation, residue mobility, and thermodynamic stability) indicates that this missense variant is not expected to disrupt NOTCH1 protein function with a negative predictive value of 80%. In summary, the available evidence is currently insufficient to determine the role of this variant in disease. Therefore, it has been classified as a Variant of Uncertain Significance.

NM_017617.5(NOTCH1):c.1884C>G (p.Phe628Leu)

Gene: NOTCH1 (notch receptor 1; minus strand). Cytogenetic location: 9q34.3.
Variant type: single nucleotide variant.
Coding change: c.1884C>G on transcript NM_017617.5 (MANE Select); coding-DNA position 1884, C replaced by G.
Protein change: p.Phe628Leu; replaces phenylalanine 628 with leucine.
Molecular consequence: missense variant.
Genome position (GRCh38, 1-based): chr9:136,515,502, G>C on the plus strand (C>G on the coding strand, the complement: NOTCH1 is on the minus strand). VCF-style: chr9-136515502-G-C. GRCh37 (hg19) VCF-style: chr9-139409954-G-C.
Other names: short protein forms F628L.
Identifiers: ClinVar variation 3631699 (VCV003631699.2).
Genomic context (GRCh38, chr9:136,515,502, plus strand): 5'-TGCCCACTGGCCCCCCGCCGGCCACCCGCCTGGCCGGCCACCTGTGGTCCCCTTCAGGCA[G>C]AAGCAGAGGTAGGCGTTGTCGCGGTCCTGGCAGGTGCCCCCGTGGCGGCAGGGCTGGCTG-3'
Protein context (NP_060087.3, residues 618-638): CQDRDNAYLC[Phe628Leu]CLKGTTGPNC